The following is an entry in ClinVar:

ClinVar aggregate classification (germline): Uncertain significance. Review status: criteria provided, multiple submitters, no conflicts (2 of 4 stars). 2 submissions from 2 submitters: Uncertain significance (2). Last evaluated 2022-07-21.

Conditions:
Neuropathy, hereditary sensory and autonomic, type 2A (HSAN2A). Also called: MORVAN DISEASE; NEUROPATHY, CONGENITAL SENSORY; NEUROPATHY, HEREDITARY SENSORY RADICULAR, AUTOSOMAL RECESSIVE; NEUROPATHY, HEREDITARY SENSORY, TYPE IIA; NEUROPATHY, PROGRESSIVE SENSORY, OF CHILDREN; ACROOSTEOLYSIS, GIACCAI TYPE. Identifiers: Orphanet 970, MedGen C2752089, MONDO:0024309, OMIM 201300.
Pseudohypoaldosteronism type 2C (PHA2C). Also called: Pseudohypoaldosteronism Type IIC. Identifiers: Orphanet 757, Orphanet 88940, MedGen C1840391, MONDO:0013778, OMIM 614492.
Inborn genetic diseases. Identifiers: MedGen C0950123, MeSH D030342.

gnomAD v4.1: 1 of 1,614,182 alleles (0.000062%); highest among the groups gnomAD compares: East Asian, 0.0022%; no homozygotes.

Submissions (2):

Labcorp Genetics (formerly Invitae), Labcorp
Classification: Uncertain significance for Neuropathy, hereditary sensory and autonomic, type 2A; Pseudohypoaldosteronism type 2C. Last evaluated: 2022-07-21. Review status: criteria provided, single submitter. Criteria: Invitae Variant Classification Sherloc (09022015). Collection method: clinical testing. Allele origin: germline.
Comment: This sequence change replaces proline, which is neutral and non-polar, with leucine, which is neutral and non-polar, at codon 1874 of the WNK1 protein (p.Pro1874Leu). This variant is not present in population databases (gnomAD no frequency). This variant has not been reported in the literature in individuals affected with WNK1-related conditions. Advanced modeling of protein sequence and biophysical properties (such as structural, functional, and spatial information, amino acid conservation, physicochemical variation, residue mobility, and thermodynamic stability) performed at Invitae indicates that this missense variant is not expected to disrupt WNK1 protein function. In summary, the available evidence is currently insufficient to determine the role of this variant in disease. Therefore, it has been classified as a Variant of Uncertain Significance.

Ambry Genetics
Classification: Uncertain significance for Inborn genetic diseases. Last evaluated: 2021-08-02. Review status: criteria provided, single submitter. Criteria: Ambry Variant Classification Scheme 2023. Collection method: clinical testing. Allele origin: germline.
Comment: The p.P1874L variant (also known as c.5621C>T), located in coding exon 19 of the WNK1 gene, results from a C to T substitution at nucleotide position 5621. The proline at codon 1874 is replaced by leucine, an amino acid with similar properties. This amino acid position is well conserved in available vertebrate species. In addition, the in silico prediction for this alteration is inconclusive. Since supporting evidence is limited at this time, the clinical significance of this alteration remains unclear.

NM_018979.4(WNK1):c.4865C>T (p.Pro1622Leu)

Gene: WNK1 (WNK lysine deficient protein kinase 1; plus strand). Cytogenetic location: 12p13.33.
Variant type: single nucleotide variant.
Coding change: c.4865C>T on transcript NM_018979.4 (MANE Select); coding-DNA position 4865, C replaced by T.
Protein change: p.Pro1622Leu; replaces proline 1622 with leucine.
Molecular consequence: missense variant.
Genome position (GRCh38, 1-based): chr12:885,669, C>T. VCF-style: chr12-885669-C-T. GRCh37 (hg19) VCF-style: chr12-994835-C-T.
Other names: c.5645C>T, p.Pro1882Leu (NM_001184985.2); c.4124C>T, p.Pro1375Leu (NM_014823.3); c.5621C>T, p.Pro1874Leu (NM_213655.5); short protein forms P1622L, P1874L, P1882L, P1375L.
Identifiers: ClinVar variation 1748703 (VCV001748703.7), dbSNP rs2549051348, ClinGen allele CA383332093.